The following is an entry in ClinVar:

NM_001330588.2(TPP2):c.2267T>A (p.Val756Glu)

Gene: TPP2 (tripeptidyl peptidase 2; plus strand). Cytogenetic location: 13q33.1.
Variant type: single nucleotide variant.
Coding change: c.2267T>A on transcript NM_001330588.2 (MANE Select); coding-DNA position 2267, T replaced by A.
Protein change: p.Val756Glu; replaces valine 756 with glutamic acid.
Molecular consequence: missense variant. On other transcripts: non-coding transcript variant (1).
Genome position (GRCh38, 1-based): chr13:102,644,648, T>A. VCF-style: chr13-102644648-T-A. GRCh37 (hg19) VCF-style: chr13-103296998-T-A.
Other names: c.2267T>A, p.Val756Glu (NM_001367947.1, NM_003291.4); short protein forms V756E.
Identifiers: ClinVar variation 951992 (VCV000951992.7), dbSNP rs752839525, ClinGen allele CA7037963.

ClinVar aggregate classification (germline): Uncertain significance (1 of 4 stars; one submission).

Conditions:
Evans syndrome, immunodeficiency, and premature immunosenescence associated with tripeptidyl-peptidase II deficiency. Identifiers: MedGen CN231723. Disease mechanism: loss of function.

Allele frequency attached by ClinVar (database versions not stated): ExAC 0.00001; gnomAD 0.00001 and 0.00002; TOPMed 0.00002; gnomAD exomes 0.00003.
gnomAD v4.1: 50 of 1,610,632 alleles (0.0031%); highest among the groups gnomAD compares: Non-Finnish European, 0.004%; no homozygotes.

Submission:

Labcorp Genetics (formerly Invitae), Labcorp
Classification: Uncertain significance for Evans syndrome, immunodeficiency, and premature immunosenescence associated with tripeptidyl-peptidase II deficiency. Last evaluated: 2019-05-15. Review status: criteria provided, single submitter. Criteria: Invitae Variant Classification Sherloc (09022015). Collection method: clinical testing. Allele origin: germline.
Comment: Algorithms developed to predict the effect of missense changes on protein structure and function (SIFT, PolyPhen-2, Align-GVGD) all suggest that this variant is likely to be tolerated, but these predictions have not been confirmed by published functional studies and their clinical significance is uncertain. This variant has not been reported in the literature in individuals with TPP2-related conditions. This variant is present in population databases (rs752839525, ExAC 0.002%). This sequence change replaces valine with glutamic acid at codon 756 of the TPP2 protein (p.Val756Glu). The valine residue is moderately conserved and there is a moderate physicochemical difference between valine and glutamic acid. In summary, the available evidence is currently insufficient to determine the role of this variant in disease. Therefore, it has been classified as a Variant of Uncertain Significance.